The following is an entry in ClinVar:

NM_014679.5(CEP57):c.1066A>G (p.Ile356Val)

Gene: CEP57 (centrosomal protein 57; plus strand). Cytogenetic location: 11q21.
Variant type: single nucleotide variant.
Coding change: c.1066A>G on transcript NM_014679.5 (MANE Select); coding-DNA position 1066, A replaced by G.
Protein change: p.Ile356Val; replaces isoleucine 356 with valine.
Molecular consequence: missense variant.
Genome position (GRCh38, 1-based): chr11:95,827,966, A>G. VCF-style: chr11-95827966-A-G. GRCh37 (hg19) VCF-style: chr11-95561130-A-G.
Other names: c.805A>G, p.Ile269Val (NM_001440880.1); c.769A>G, p.Ile257Val (NM_001440881.1); c.763A>G, p.Ile255Val (NM_001440882.1); c.1039A>G, p.Ile347Val (NM_001243776.2); c.988A>G, p.Ile330Val (NM_001243777.2); c.985A>G, p.Ile329Val (NM_001363604.2, NM_001440869.1, NM_001440870.1); c.958A>G, p.Ile320Val (NM_001440871.1); c.949A>G, p.Ile317Val (NM_001440872.1); and 6 more; short protein forms I255V, I257V, I269V, I281V, I290V, I291V, I293V, I294V.
Identifiers: ClinVar variation 4868745 (VCV004868745.1).
Genomic context (GRCh38, chr11:95,827,966, plus strand): 5'-GTATCTTCACGAGGTGGTAAAAGTAAGAAGTTGTCAGTAACACCTCCCTCCTCCAACGGT[A>G]TTAATGAGGAGTTGTCAGAAGTCTTACAGACTTTACAGGATGAATTTGGGCAAATGAGCT-3'
Protein context (NP_055494.2, residues 346-366): LSVTPPSSNG[Ile356Val]NEELSEVLQT

ClinVar aggregate classification (germline): Uncertain significance (1 of 4 stars; one submission).

Conditions:
Inborn genetic diseases. Identifiers: MedGen C0950123, MeSH D030342.

Submission:

Ambry Genetics
Classification: Uncertain significance for Inborn genetic diseases. Last evaluated: 2026-03-29. Review status: criteria provided, single submitter. Criteria: Ambry Variant Classification Scheme 2023. Collection method: clinical testing. Allele origin: germline.
Comment: The p.I356V variant (also known as c.1066A>G), located in coding exon 9 of the CEP57 gene, results from an A to G substitution at nucleotide position 1066. The isoleucine at codon 356 is replaced by valine, an amino acid with highly similar properties. This amino acid position is conserved. In addition, this alteration is predicted to be tolerated by in silico analysis. Based on the available evidence, the clinical significance of this variant remains unclear.